The following is an entry in ClinVar:

NM_003079.5(SMARCE1):c.841G>A (p.Asp281Asn)

Gene: SMARCE1 (SWI/SNF related BAF chromatin remodeling complex subunit E1; minus strand). Cytogenetic location: 17q21.2.
Variant type: single nucleotide variant.
Coding change: c.841G>A on transcript NM_003079.5 (MANE Select); coding-DNA position 841, G replaced by A.
Protein change: p.Asp281Asn; replaces aspartic acid 281 with asparagine.
Molecular consequence: missense variant.
Genome position (GRCh38, 1-based): chr17:40,630,900, C>T on the plus strand (G>A on the coding strand, the complement: SMARCE1 is on the minus strand). VCF-style: chr17-40630900-C-T. GRCh37 (hg19) VCF-style: chr17-38787152-C-T.
Other names: short protein forms D281N.
Identifiers: ClinVar variation 3364381 (VCV003364381.4).
Genomic context (GRCh38, chr17:40,630,900, plus strand): 5'-CCTGCCTTTTGCGGGCCTGTTCCTCTGCCTGTGCAATCTCAGCTGCAATTTTCTCCATAT[C>T]CACTTCTACTTTCAGACCGCACAACTAATCAGAAAAAAACAGAACTCCGTAATGTTTTTT-3'
Protein context (NP_003070.3, residues 271-291): KRLCGLKVEV[Asp281Asn]MEKIAAEIAQ

ClinVar aggregate classification (germline): Uncertain significance. Review status: criteria provided, multiple submitters, no conflicts (2 of 4 stars). 3 submissions from 3 submitters: Uncertain significance (3). Last evaluated 2025-08-14.

Conditions:
Familial meningioma. Also called: Meningioma, familial, susceptibility to. Identifiers: Orphanet 263662, MedGen C3551915, MONDO:0011789, OMIM 607174.
Hereditary cancer-predisposing syndrome. Also called: Tumor predisposition; Neoplastic Syndromes, Hereditary; Hereditary neoplastic syndrome; Hereditary Cancer Syndrome. Identifiers: Orphanet 140162, MedGen C0027672, MeSH D009386, MONDO:0015356.

Submissions (3):

Ambry Genetics
Classification: Uncertain significance for Hereditary cancer-predisposing syndrome. Last evaluated: 2025-08-14. Review status: criteria provided, single submitter. Criteria: Ambry Variant Classification Scheme 2023. Collection method: clinical testing. Allele origin: germline.
Comment: The p.D281N variant (also known as c.841G>A), located in coding exon 9 of the SMARCE1 gene, results from a G to A substitution at nucleotide position 841. The aspartic acid at codon 281 is replaced by asparagine, an amino acid with highly similar properties. This amino acid position is conserved. In addition, this alteration is predicted to be tolerated by in silico analysis. Based on the available evidence, the clinical significance of this variant remains unclear.

Labcorp Genetics (formerly Invitae), Labcorp
Classification: Uncertain significance for Familial meningioma. Last evaluated: 2024-08-01. Review status: criteria provided, single submitter. Criteria: Invitae Variant Classification Sherloc (09022015). Collection method: clinical testing. Allele origin: germline.
Comment: This sequence change replaces aspartic acid, which is acidic and polar, with asparagine, which is neutral and polar, at codon 281 of the SMARCE1 protein (p.Asp281Asn). This variant is not present in population databases (gnomAD no frequency). This variant has not been reported in the literature in individuals affected with SMARCE1-related conditions. Advanced modeling of protein sequence and biophysical properties (such as structural, functional, and spatial information, amino acid conservation, physicochemical variation, residue mobility, and thermodynamic stability) performed at Invitae indicates that this missense variant is expected to disrupt SMARCE1 protein function with a positive predictive value of 80%. In summary, the available evidence is currently insufficient to determine the role of this variant in disease. Therefore, it has been classified as a Variant of Uncertain Significance.

GeneDx
Classification: Uncertain significance. Last evaluated: 2023-11-18. Review status: criteria provided, single submitter. Criteria: GeneDx Variant Classification Process June 2021. Collection method: clinical testing. Allele origin: germline. Affected: yes.
Comment: Not observed at significant frequency in large population cohorts (gnomAD); In silico analysis supports that this missense variant has a deleterious effect on protein structure/function; Has not been previously published as pathogenic or benign to our knowledge